The following is an entry in ClinVar:

NM_003978.5(PSTPIP1):c.997A>C (p.Thr333Pro)

Gene: PSTPIP1 (proline-serine-threonine phosphatase interacting protein 1; plus strand). Cytogenetic location: 15q24.3.
Variant type: single nucleotide variant.
Coding change: c.997A>C on transcript NM_003978.5 (MANE Select); coding-DNA position 997, A replaced by C.
Protein change: p.Thr333Pro; replaces threonine 333 with proline.
Molecular consequence: missense variant. On other transcripts: non-coding transcript variant (1).
Genome position (GRCh38, 1-based): chr15:77,035,813, A>C. VCF-style: chr15-77035813-A-C. GRCh37 (hg19) VCF-style: chr15-77328154-A-C.
Other names: c.940A>C, p.Thr314Pro (NM_001321135.2); c.970A>C, p.Thr324Pro (NM_001321136.2); c.1192A>C, p.Thr398Pro (NM_001321137.1); short protein forms T324P, T398P, T333P, T314P.
Identifiers: ClinVar variation 1364422 (VCV001364422.8), dbSNP rs746898326, ClinGen allele CA7676131.

ClinVar aggregate classification (germline): Uncertain significance (1 of 4 stars; one submission).

Conditions:
Pyogenic arthritis-pyoderma gangrenosum-acne syndrome (PAPA). Also called: FAMILIAL RECURRENT ARTHRITIS; PAPA SYNDROME. Identifiers: Orphanet 69126, MedGen C1858361, MONDO:0011462, OMIM 604416.

Allele frequency attached by ClinVar (database versions not stated): gnomAD exomes below 0.00001 and 0.00001; ExAC 0.00001.
gnomAD v4.1: 2 of 1,607,980 alleles (0.00012%); highest among the groups gnomAD compares: Non-Finnish European, 0.00017%; no homozygotes.

Submission:

Labcorp Genetics (formerly Invitae), Labcorp
Classification: Uncertain significance for Pyogenic arthritis-pyoderma gangrenosum-acne syndrome. Last evaluated: 2021-07-04. Review status: criteria provided, single submitter. Criteria: Invitae Variant Classification Sherloc (09022015). Collection method: clinical testing. Allele origin: germline.
Comment: Algorithms developed to predict the effect of missense changes on protein structure and function output the following: SIFT: "Tolerated"; PolyPhen-2: "Benign"; Align-GVGD: "Class C0". The proline amino acid residue is found in multiple mammalian species, which suggests that this missense change does not adversely affect protein function. This sequence change replaces threonine with proline at codon 333 of the PSTPIP1 protein (p.Thr333Pro). The threonine residue is weakly conserved and there is a small physicochemical difference between threonine and proline. This variant is present in population databases (rs746898326, ExAC 0.002%). This variant has not been reported in the literature in individuals affected with PSTPIP1-related conditions. In summary, the available evidence is currently insufficient to determine the role of this variant in disease. Therefore, it has been classified as a Variant of Uncertain Significance.